The following is an entry in ClinVar:

NM_206933.4(USH2A):c.13423A>G (p.Arg4475Gly)

Gene: USH2A (usherin; minus strand). Cytogenetic location: 1q41.
Variant type: single nucleotide variant.
Coding change: c.13423A>G on transcript NM_206933.4 (MANE Select); coding-DNA position 13423, A replaced by G.
Protein change: p.Arg4475Gly; replaces arginine 4475 with glycine.
Molecular consequence: missense variant.
Genome position (GRCh38, 1-based): chr1:215,674,488, T>C on the plus strand (A>G on the coding strand, the complement: USH2A is on the minus strand). VCF-style: chr1-215674488-T-C. GRCh37 (hg19) VCF-style: chr1-215847830-T-C.
Other names: c.13423A>G (NM_206933.2); short protein forms R4475G.
Identifiers: ClinVar variation 1044470 (VCV001044470.13), dbSNP rs753823008, ClinGen allele CA1393293.
Genomic context (GRCh38, chr1:215,674,488, plus strand): 5'-GATAGCGTGTTTCCAAGCCTGTATATACAATGGTTCCATCCCTCCTAAGTTCATAACTTC[T>C]GATCTGGCCATTTGGGTTTCTTGGAGGTTTCCAGGTGATTTCTATTGATTCTGAGCCTGT-3'
Protein context (NP_996816.3, residues 4465-4485): KPPRNPNGQI[Arg4475Gly]SYELRRDGTI

ClinVar aggregate classification (germline): Uncertain significance. Review status: criteria provided, multiple submitters, no conflicts (2 of 4 stars). 7 submissions from 6 submitters: Uncertain significance (6). 1 of the submissions does not count toward it. Last evaluated 2025-09-23.

Conditions:
Inborn genetic diseases. Identifiers: MedGen C0950123, MeSH D030342.
Usher syndrome type 2A. Also called: USHER SYNDROME, TYPE IIA; RETINAL DISEASE IN USHER SYNDROME TYPE IIA, MODIFIER OF. Identifiers: Orphanet 231178, Orphanet 886, MedGen C1848634, MONDO:0010169, OMIM 276901.
USH2A-related disorder. Also called: USH2A-related condition; USH2A-related disorders. Identifiers: MedGen CN239332.
Retinitis pigmentosa 39 (RP39). Identifiers: Orphanet 791, MedGen C3151138, MONDO:0013436, OMIM 613809.

Allele frequency attached by ClinVar (database versions not stated): gnomAD exomes below 0.00001; ExAC 0.00001; TOPMed 0.00002; gnomAD 0.00005 and 0.00006.
gnomAD v4.1: 21 of 1,614,088 alleles (0.0013%); highest among the groups gnomAD compares: African/African-American, 0.023%; no homozygotes.

Submissions (7):

PreventionGenetics, part of Exact Sciences
Classification: Uncertain significance for USH2A-related condition. Last evaluated: 2025-09-23. Review status: criteria provided, single submitter. Criteria: ACMG Guidelines, 2015. Collection method: clinical testing. Allele origin: germline.
Comment: The USH2A c.13423A>G variant is predicted to result in the amino acid substitution p.Arg4475Gly. To our knowledge, this variant has not been reported in the literature. This variant is reported in 0.012% of alleles in individuals of African descent in gnomAD. At this time, the clinical significance of this variant is uncertain due to the absence of conclusive functional and genetic evidence.

Labcorp Genetics (formerly Invitae), Labcorp
Classification: Uncertain significance. Last evaluated: 2024-10-17. Review status: criteria provided, single submitter. Criteria: Invitae Variant Classification Sherloc (09022015). Collection method: clinical testing. Allele origin: germline.
Comment: This sequence change replaces arginine, which is basic and polar, with glycine, which is neutral and non-polar, at codon 4475 of the USH2A protein (p.Arg4475Gly). This variant is present in population databases (rs753823008, gnomAD 0.01%). This missense change has been observed in individual(s) with retinitis pigmentosa (internal data). In at least one individual the data is consistent with being in trans (on the opposite chromosome) from a pathogenic variant. ClinVar contains an entry for this variant (Variation ID: 1044470). Invitae Evidence Modeling of protein sequence and biophysical properties (such as structural, functional, and spatial information, amino acid conservation, physicochemical variation, residue mobility, and thermodynamic stability) indicates that this missense variant is not expected to disrupt USH2A protein function with a negative predictive value of 95%. In summary, the available evidence is currently insufficient to determine the role of this variant in disease. Therefore, it has been classified as a Variant of Uncertain Significance.

Genome-Nilou Lab
Classification: Uncertain significance for Retinitis pigmentosa 39. Last evaluated: 2023-11-04. Review status: criteria provided, single submitter. Criteria: ACMG Guidelines, 2015. Collection method: clinical testing. Allele origin: germline. Affected: no.

Genome-Nilou Lab
Classification: Uncertain significance for Usher syndrome type 2A. Last evaluated: 2023-11-04. Review status: criteria provided, single submitter. Criteria: ACMG Guidelines, 2015. Collection method: clinical testing. Allele origin: germline. Affected: no.

Ambry Genetics
Classification: Uncertain significance for Inborn genetic diseases. Last evaluated: 2022-10-04. Review status: criteria provided, single submitter. Criteria: Ambry Variant Classification Scheme 2023. Collection method: clinical testing. Allele origin: germline.

Blueprint Genetics
Classification: Uncertain significance. Last evaluated: 2022-09-01. Review status: criteria provided, single submitter. Criteria: ACMG Guidelines, 2015. Collection method: clinical testing. Allele origin: germline.

Natera, Inc.
Classification: Uncertain significance for Usher syndrome type 2A. Last evaluated: 2020-06-18. Review status: no assertion criteria provided. Collection method: clinical testing. Allele origin: germline. Not counted in ClinVar's aggregate classification.